The following is an entry in ClinVar:

NM_000219.6(KCNE1):c.314C>A (p.Ser105Ter)

Gene: KCNE1 (potassium voltage-gated channel subfamily E regulatory subunit 1; minus strand). Cytogenetic location: 21q22.12.
Variant type: single nucleotide variant.
Coding change: c.314C>A on transcript NM_000219.6 (MANE Select); coding-DNA position 314, C replaced by A.
Protein change: p.Ser105Ter; replaces serine 105 with a stop codon.
Molecular consequence: nonsense.
Genome position (GRCh38, 1-based): chr21:34,449,321, G>T on the plus strand (C>A on the coding strand, the complement: KCNE1 is on the minus strand). VCF-style: chr21-34449321-G-T. GRCh37 (hg19) VCF-style: chr21-35821619-G-T.
Other names: c.314C>A, p.Ser105Ter (NM_001127668.4, NM_001127669.4, NM_001127670.4 and 4 more transcripts); short protein forms S105*.
Identifiers: ClinVar variation 3374612 (VCV003374612.2).

Conditions:
Long QT syndrome 5 (LQT5). Identifiers: Orphanet 101016, Orphanet 768, MedGen C1867904, MONDO:0013372, OMIM 613695.

Submission:

Roden Lab, Vanderbilt University Medical Center
No classification provided (evidence only). Condition: Long QT syndrome 5. Review status: no classification provided. Collection method: in vitro. Allele origin: not applicable. Functional consequence: Effect on ion channel function.
ClinVar note: "not provided" was previously submitted as the classification for the variant. However, the classification appeared to be based only on an observation of functional data so it was converted to no classification on 2025-07-30.